The following is an entry in ClinVar:

ClinVar aggregate classification (germline): Likely benign (1 of 4 stars; one submission).

Submission:

Women's Health and Genetics/Laboratory Corporation of America, LabCorp
Classification: Likely benign. Last evaluated: 2026-06-09. Review status: criteria provided, single submitter. Criteria: LabCorp Variant Classification Summary - May 2015. Collection method: clinical testing. Allele origin: germline.
Comment: Variant summary: The variant involves the duplication of exons 18-31 in the NEDD4L gene. A presumed nomenclature of c.(1653+1_1654-1)_(*5271_?)dup has been designated for the purposes of this classification. The exact breakpoint at the 3' end of this variant is unknown, therefore this duplication may extend downstream of the annotated region of the gene. As it duplicates the termination codon, its effect on the encoded protein is unknown. The variant allele was found at a frequency of 0.00055 in 21694 control chromosomes, predominantly at a frequency of 0.0013 within the African or African-American subpopulation in the gnomAD database. The observed variant frequency within African or African-American control individuals in the gnomAD database exceeds the estimated maximal expected allele frequency for disease-causing variants in NEDD4L. To our knowledge, no occurrence of c.(1653+1_1654-1)_(*5271_?)dup in individuals affected with NEDD4L-related conditions and no experimental evidence demonstrating its impact on protein function have been reported. ClinVar contains an entry for this variant (Variation ID: 2426126). Based on the evidence outlined above, the variant was classified as likely benign.

NC_000018.9:g.(56016847_56018222)_(56068772_?)dup

Gene: NEDD4L (NEDD4 like E3 ubiquitin protein ligase; plus strand). Cytogenetic location: 18q21.31.
Variant type: Duplication.
Identifiers: ClinVar variation 4887408 (VCV004887408.1).